The following is an entry in ClinVar:

NM_005068.3(SIM1):c.315A>G (p.Ser105=)

Gene: SIM1 (SIM bHLH transcription factor 1; minus strand). Cytogenetic location: 6q16.3.
Variant type: single nucleotide variant.
Coding change: c.315A>G on transcript NM_005068.3 (MANE Select); coding-DNA position 315, A replaced by G.
Protein change: p.Ser105=; no amino-acid change (serine 105 retained).
Molecular consequence: synonymous variant.
Genome position (GRCh38, 1-based): chr6:100,450,300, T>C on the plus strand (A>G on the coding strand, the complement: SIM1 is on the minus strand). VCF-style: chr6-100450300-T-C. GRCh37 (hg19) VCF-style: chr6-100898176-T-C.
Other names: c.315A>G, p.Ser105= (NM_001374769.1).
Identifiers: ClinVar variation 4979623 (VCV004979623.1).

ClinVar aggregate classification (germline): Likely benign (1 of 4 stars; one submission).

Conditions:
SIM1-related disorder. Also called: SIM1-related condition; SIM1-related disorders.

Submission:

PreventionGenetics, part of Exact Sciences
Classification: Likely benign for SIM1-related condition. Last evaluated: 2026-03-10. Review status: criteria provided, single submitter. Criteria: ACMG Guidelines, 2015. Collection method: clinical testing. Allele origin: germline.
Comment: This variant is classified as likely benign based on ACMG/AMP sequence variant interpretation guidelines (Richards et al. 2015 PMID: 25741868, with internal and published modifications).